The following is an entry in ClinVar:

NM_000071.3(CBS):c.316+5G>C

Gene: CBS (cystathionine beta-synthase; minus strand). Cytogenetic location: 21q22.3.
Variant type: single nucleotide variant.
Coding change: c.316+5G>C on transcript NM_000071.3 (MANE Select); 5 bases into the intron after coding-DNA position 316, G replaced by C.
Molecular consequence: intron variant.
Genome position (GRCh38, 1-based): chr21:43,068,504, C>G on the plus strand (G>C on the coding strand, the complement: CBS is on the minus strand). VCF-style: chr21-43068504-C-G. GRCh37 (hg19) VCF-style: chr21-44488614-C-G.
Other names: c.316+5G>C (NM_001320298.2, NM_001178009.3, NM_001178008.3).
Identifiers: ClinVar variation 663212 (VCV000663212.8), dbSNP rs1601375508, ClinGen allele CA915952622.

ClinVar aggregate classification (germline): Uncertain significance (1 of 4 stars; one submission).

Conditions:
HYPERHOMOCYSTEINEMIA, THROMBOTIC, CBS-RELATED. Identifiers: MedGen C3150344, OMIM 236200.

Submission:

Labcorp Genetics (formerly Invitae), Labcorp
Classification: Uncertain significance for HYPERHOMOCYSTEINEMIA, THROMBOTIC, CBS-RELATED. Last evaluated: 2018-10-16. Review status: criteria provided, single submitter. Criteria: Invitae Variant Classification Sherloc (09022015). Collection method: clinical testing. Allele origin: germline.
Comment: In summary, the available evidence is currently insufficient to determine the role of this variant in disease. Therefore, it has been classified as a Variant of Uncertain Significance. Nucleotide substitutions within the consensus splice site are a relatively common cause of aberrant splicing (PMID: 17576681, 9536098). Algorithms developed to predict the effect of sequence changes on RNA splicing suggest that this variant may disrupt the consensus splice site, but this prediction has not been confirmed by published transcriptional studies. This variant has not been reported in the literature in individuals with CBS-related disease. This variant is not present in population databases (ExAC no frequency). This sequence change falls in intron 4 of the CBS gene. It does not directly change the encoded amino acid sequence of the CBS protein, but it affects a nucleotide within the consensus splice site of the intron.

Literature cited by the submitters: PubMed 17576681; PubMed 9536098.